The following is an entry in ClinVar:

NM_001384140.1(PCDH15):c.2868+6T>C

Gene: PCDH15 (protocadherin related 15; minus strand). Cytogenetic location: 10q21.1.
Variant type: single nucleotide variant.
Coding change: c.2868+6T>C on transcript NM_001384140.1 (MANE Select); 6 bases into the intron after coding-DNA position 2868, T replaced by C.
Molecular consequence: intron variant. On other transcripts: synonymous variant (1).
Genome position (GRCh38, 1-based): chr10:53,995,643, A>G on the plus strand (T>C on the coding strand, the complement: PCDH15 is on the minus strand). VCF-style: chr10-53995643-A-G. GRCh37 (hg19) VCF-style: chr10-55755403-A-G.
Other names: c.2874T>C, p.Ser958= (NM_001354430.2); c.2868+6T>C (NM_001354420.2, NM_001354429.2, NM_001142772.2 and 4 more transcripts); c.2883+6T>C (NM_001142771.2, NM_001142763.2); c.2889+6T>C (NM_001354411.2); c.2904+6T>C (NM_001142769.3); c.2802+6T>C (NM_001354404.2, NM_001142773.2, NM_001142768.2); c.2757+6T>C (NM_001142767.2); c.2655+6T>C (NM_001142765.2).
Identifiers: ClinVar variation 935705 (VCV000935705.7), dbSNP rs2091797634, ClinGen allele CA1139661448.
Genomic context (GRCh38, chr10:53,995,643, plus strand): 5'-TCATTTATGAGTGTTAAGGATTTTTCTCAGTACAGTTCAGAATATTAATCAATGCCTTCT[A>G]CTTACAGGAGGGTCTGCATCTTCAGCATAAACTGTTGTGATAGGTGTACCCTTGACTGCA-3'

ClinVar aggregate classification (germline): Uncertain significance (1 of 4 stars; one submission).

Submission:

Labcorp Genetics (formerly Invitae), Labcorp
Classification: Uncertain significance. Last evaluated: 2022-08-31. Review status: criteria provided, single submitter. Criteria: Invitae Variant Classification Sherloc (09022015). Collection method: clinical testing. Allele origin: germline.
Comment: This sequence change falls in intron 21 of the PCDH15 gene. It does not directly change the encoded amino acid sequence of the PCDH15 protein. It affects a nucleotide within the consensus splice site. This variant is not present in population databases (gnomAD no frequency). This variant has not been reported in the literature in individuals affected with PCDH15-related conditions. ClinVar contains an entry for this variant (Variation ID: 935705). Variants that disrupt the consensus splice site are a relatively common cause of aberrant splicing (PMID: 17576681, 9536098). Algorithms developed to predict the effect of sequence changes on RNA splicing suggest that this variant may disrupt the consensus splice site. In summary, the available evidence is currently insufficient to determine the role of this variant in disease. Therefore, it has been classified as a Variant of Uncertain Significance.

Literature cited by the submitters: PubMed 17576681; PubMed 9536098.